The following is an entry in ClinVar:

NM_001368894.2(PAX6):c.593del (p.Gly198fs)

Gene: PAX6 (paired box 6; minus strand). Cytogenetic location: 11p13.
Variant type: Deletion.
Coding change: c.593del on transcript NM_001368894.2 (MANE Select); coding-DNA position 593, one base deleted (G; older notation c.593delG).
Protein change: p.Gly198fs; shifts the reading frame from glycine 198.
Molecular consequence: frameshift variant. On other transcripts: non-coding transcript variant (2), 5 prime UTR variant (1).
Genome position (GRCh38, 1-based): chr11:31,794,761, C deleted on the plus strand (G on the coding strand, the reverse complement: PAX6 is on the minus strand); the first of 5 consecutive C bases (chr11:31,794,761-31,794,765); deleting any one gives the same sequence. VCF-style (leftmost placement, unchanged base first): chr11-31794760-TC-T. GRCh37 (hg19) VCF-style: chr11-31816308-TC-T.
Other names: c.551del, p.Gly184fs (NM_000280.6, NM_001127612.3, NM_001258464.2 and 10 more transcripts); c.593del, p.Gly198fs (NM_001258462.3, NM_001258463.2, NM_001310158.2 and 6 more transcripts); c.143del, p.Gly48fs (NM_001310160.2, NM_001368903.2, NM_001368904.2 and 11 more transcripts); c.668del, p.Gly223fs (NM_001368918.2, NM_001368919.2); c.626del, p.Gly209fs (NM_001368920.2); c.392del, p.Gly131fs (NM_001368921.2, NM_001368922.2, NM_001368923.2 and 4 more transcripts); c.794del, p.Gly265fs (NM_001368910.2); c.596del, p.Gly199fs (NM_001368911.2); and 2 more; short protein forms G199fs, G209fs, G131fs, G117fs, G184fs, G265fs, G198fs, G223fs.
Identifiers: ClinVar variation 280485 (VCV000280485.3), dbSNP rs886041679, ClinGen allele CA10603159.
Genomic context (GRCh38, chr11:31,794,760, plus strand): 5'-AAGTCGCATTTGAGCCTCATCTGAATCTTCTCCGTTGGAACTGATGGAGTTGGTATTCTC[TC>T]CCCCTCCTTCCTGTTGCTGGCAGCCATCTGGAACAAAAAGAATAGGATGGTAAGAGAAAT-3'

ClinVar aggregate classification (germline): Pathogenic (1 of 4 stars; one submission).

Submission:

GeneDx
Classification: Pathogenic. Last evaluated: 2016-04-26. Review status: criteria provided, single submitter. Criteria: GeneDx Variant Classification (06012015). Collection method: clinical testing. Allele origin: germline. Affected: yes.
Comment: The c.551delG pathogenic variant in the PAX6 gene causes a frameshift starting with codon Glycine 184, changes this amino acid to a Glutamic acid residue and creates a premature Stop codon at position 23 of the new reading frame, denoted p.Gly184GlufsX23. This pathogenic variant is predicted to cause loss of normal protein function either through protein truncation or nonsense-mediated mRNA decay. Additionally, the variant was not observed in approximately 6,500 individuals of European and African American ancestry in the NHLBI Exome Sequencing Project, indicating it is not a common benign variant in these populations.